The following is an entry in ClinVar:

NM_016169.4(SUFU):c.207C>G (p.Asp69Glu)

Gene: SUFU (SUFU negative regulator of hedgehog signaling; plus strand). Cytogenetic location: 10q24.32.
Variant type: single nucleotide variant.
Coding change: c.207C>G on transcript NM_016169.4 (MANE Select); coding-DNA position 207, C replaced by G.
Protein change: p.Asp69Glu; replaces aspartic acid 69 with glutamic acid.
Molecular consequence: missense variant.
Genome position (GRCh38, 1-based): chr10:102,509,193, C>G. VCF-style: chr10-102509193-C-G. GRCh37 (hg19) VCF-style: chr10-104268950-C-G.
Other names: c.207C>G, p.Asp69Glu (NM_001178133.2); short protein forms D69E.
Identifiers: ClinVar variation 4827220 (VCV004827220.1).

ClinVar aggregate classification (germline): Uncertain significance (1 of 4 stars; one submission).

Conditions:
Hereditary cancer-predisposing syndrome. Also called: Neoplastic Syndromes, Hereditary; Tumor predisposition; Hereditary Cancer Syndrome; Hereditary neoplastic syndrome. Identifiers: Orphanet 140162, MedGen C0027672, MeSH D009386, MONDO:0015356.

gnomAD v4.1: 2 of 1,614,194 alleles (0.00012%); highest among the groups gnomAD compares: Non-Finnish European, 0.00017%; no homozygotes.

Submission:

Ambry Genetics
Classification: Uncertain significance for Hereditary cancer-predisposing syndrome. Last evaluated: 2026-03-06. Review status: criteria provided, single submitter. Criteria: Ambry Variant Classification Scheme 2023. Collection method: clinical testing. Allele origin: germline.
Comment: The p.D69E variant (also known as c.207C>G), located in coding exon 2 of the SUFU gene, results from a C to G substitution at nucleotide position 207. The aspartic acid at codon 69 is replaced by glutamic acid, an amino acid with highly similar properties. This amino acid position is conserved. In addition, this alteration is predicted to be deleterious by in silico analysis. Based on the available evidence, the clinical significance of this variant remains unclear.